The following is an entry in ClinVar:

ClinVar aggregate classification (germline): Uncertain significance (1 of 4 stars; one submission).

Allele frequency attached by ClinVar (database versions not stated): gnomAD exomes below 0.00001; gnomAD 0.00001.
gnomAD v4.1: 6 of 1,613,966 alleles (0.00037%); highest among the groups gnomAD compares: Middle Eastern, 0.016%; no homozygotes.

Submission:

Labcorp Genetics (formerly Invitae), Labcorp
Classification: Uncertain significance. Last evaluated: 2024-01-25. Review status: criteria provided, single submitter. Criteria: Invitae Variant Classification Sherloc (09022015). Collection method: clinical testing. Allele origin: germline.
Comment: This sequence change falls in intron 21 of the EMC1 gene. It does not directly change the encoded amino acid sequence of the EMC1 protein. This variant is not present in population databases (gnomAD no frequency). This variant has not been reported in the literature in individuals affected with EMC1-related conditions. Algorithms developed to predict the effect of sequence changes on RNA splicing suggest that this variant may disrupt the consensus splice site. In summary, the available evidence is currently insufficient to determine the role of this variant in disease. Therefore, it has been classified as a Variant of Uncertain Significance.

NM_015047.3(EMC1):c.2673-16G>A

Genes: EMC1 (ER membrane protein complex subunit 1; minus strand), EMC1-AS1 (EMC1 antisense RNA 1; plus strand). Cytogenetic location: 1p36.13.
Variant type: single nucleotide variant.
Coding change: c.2673-16G>A on transcript NM_015047.3 (MANE Select); 16 bases into the intron before coding-DNA position 2673, G replaced by A.
Molecular consequence: intron variant.
Genome position (GRCh38, 1-based): chr1:19,219,714, C>T on the plus strand (G>A on the coding strand, the complement: EMC1 is on the minus strand). VCF-style: chr1-19219714-C-T. GRCh37 (hg19) VCF-style: chr1-19546208-C-T.
Other names: c.2607-16G>A (NM_001271429.2); c.2670-16G>A (NM_001271427.2, NM_001271428.2); c.2679-16G>A (NM_001375821.1); c.2682-16G>A (NM_001375820.1).
Identifiers: ClinVar variation 2971670 (VCV002971670.3), dbSNP rs2151933887, ClinGen allele CA2593841116.